The following is an entry in ClinVar:

NM_032888.4(COL27A1):c.1908+1G>A

Gene: COL27A1 (collagen type XXVII alpha 1 chain; plus strand). Cytogenetic location: 9q32.
Variant type: single nucleotide variant.
Coding change: c.1908+1G>A on transcript NM_032888.4 (MANE Select); the canonical splice donor site of the intron after coding-DNA position 1908, G replaced by A.
Molecular consequence: splice donor variant.
Genome position (GRCh38, 1-based): chr9:114,169,464, G>A. VCF-style: chr9-114169464-G-A. GRCh37 (hg19) VCF-style: chr9-116931744-G-A.
Identifiers: ClinVar variation 2009057 (VCV002009057.4), dbSNP rs2490583510, ClinGen allele CA374596025.

ClinVar aggregate classification (germline): Likely pathogenic (1 of 4 stars; one submission).

Submission:

Labcorp Genetics (formerly Invitae), Labcorp
Classification: Likely pathogenic. Last evaluated: 2022-06-22. Review status: criteria provided, single submitter. Criteria: Invitae Variant Classification Sherloc (09022015). Collection method: clinical testing. Allele origin: germline.
Comment: In summary, the currently available evidence indicates that the variant is pathogenic, but additional data are needed to prove that conclusively. Therefore, this variant has been classified as Likely Pathogenic. This sequence change affects a donor splice site in intron 3 of the COL27A1 gene. It is expected to disrupt RNA splicing. Variants that disrupt the donor or acceptor splice site typically lead to a loss of protein function (PMID: 16199547), and loss-of-function variants in COL27A1 are known to be pathogenic (PMID: 24986830, 28276056). This variant is not present in population databases (gnomAD no frequency). This variant has not been reported in the literature in individuals affected with COL27A1-related conditions. Algorithms developed to predict the effect of sequence changes on RNA splicing suggest that this variant may disrupt the consensus splice site.

Literature cited by the submitters: PubMed 16199547; PubMed 24986830; PubMed 28276056.